The following is an entry in ClinVar:

NM_025114.4(CEP290):c.1781T>C (p.Leu594Ser)

Gene: CEP290 (centrosomal protein 290; minus strand). Cytogenetic location: 12q21.32.
Variant type: single nucleotide variant.
Coding change: c.1781T>C on transcript NM_025114.4 (MANE Select); coding-DNA position 1781, T replaced by C.
Protein change: p.Leu594Ser; replaces leucine 594 with serine.
Molecular consequence: missense variant.
Genome position (GRCh38, 1-based): chr12:88,117,076, A>G on the plus strand (T>C on the coding strand, the complement: CEP290 is on the minus strand). VCF-style: chr12-88117076-A-G. GRCh37 (hg19) VCF-style: chr12-88510853-A-G.
Other names: short protein forms L594S.
Identifiers: ClinVar variation 1493033 (VCV001493033.4), dbSNP rs371496675, ClinGen allele CA385978145.

ClinVar aggregate classification (germline): Uncertain significance. Review status: criteria provided, multiple submitters, no conflicts (2 of 4 stars). 2 submissions from 2 submitters: Uncertain significance (2). Last evaluated 2024-06-04.

Conditions:
Joubert syndrome 5 (JBTS5). Identifiers: Orphanet 2318, MedGen C1857780, MONDO:0012432, OMIM 610188.
Leber congenital amaurosis 10 (LCA10). Identifiers: Orphanet 65, MedGen C1857821, MONDO:0012723, OMIM 611755.
Senior-Loken syndrome 6 (SLSN6). Identifiers: Orphanet 3156, MedGen C1857779, MONDO:0012433, OMIM 610189.
Bardet-Biedl syndrome 14 (BBS14). Identifiers: Orphanet 110, MedGen C2673874, MONDO:0014442, OMIM 615991.
Meckel syndrome, type 4 (MKS4). Also called: MECKEL-GRUBER SYNDROME, TYPE 4. Identifiers: Orphanet 564, MedGen C1970161, MONDO:0012626, OMIM 611134.
Nephronophthisis. Also called: Juvenile Nephronophthisis. Identifiers: Orphanet 655, MedGen C0687120, MONDO:0019005, HP:0000090.
Meckel-Gruber syndrome. Also called: DYSENCEPHALIA SPLANCHNOCYSTICA; GRUBER SYNDROME; Dysencephalia splachnocystica. Identifiers: Orphanet 564, MedGen C0265215, MONDO:0018921.
Joubert syndrome. Also called: CEREBELLOPARENCHYMAL DISORDER IV; JOUBERT-BOLTSHAUSER SYNDROME; Familial aplasia of the vermis. Identifiers: Orphanet 475, MedGen C5979921, MONDO:0018772.

gnomAD v4.1: 1 of 1,561,040 alleles (0.000064%); highest among the groups gnomAD compares: Admixed American, 0.0019%; no homozygotes.

Submissions (2):

Fulgent Genetics
Classification: Uncertain significance for Joubert syndrome 5; Senior-Loken syndrome 6; Meckel syndrome, type 4; Leber congenital amaurosis 10; Bardet-Biedl syndrome 14. Last evaluated: 2024-06-04. Review status: criteria provided, single submitter. Criteria: ACMG Guidelines, 2015. Collection method: clinical testing. Allele origin: germline.

Labcorp Genetics (formerly Invitae), Labcorp
Classification: Uncertain significance for Joubert syndrome; Meckel-Gruber syndrome; Nephronophthisis. Last evaluated: 2022-06-10. Review status: criteria provided, single submitter. Criteria: Invitae Variant Classification Sherloc (09022015). Collection method: clinical testing. Allele origin: germline.
Comment: This sequence change replaces leucine, which is neutral and non-polar, with serine, which is neutral and polar, at codon 594 of the CEP290 protein (p.Leu594Ser). This variant is not present in population databases (gnomAD no frequency). This variant has not been reported in the literature in individuals affected with CEP290-related conditions. Algorithms developed to predict the effect of missense changes on protein structure and function output the following: SIFT: "Tolerated"; PolyPhen-2: "Benign"; Align-GVGD: "Class C0". The serine amino acid residue is found in multiple mammalian species, which suggests that this missense change does not adversely affect protein function. In summary, the available evidence is currently insufficient to determine the role of this variant in disease. Therefore, it has been classified as a Variant of Uncertain Significance.